The following is an entry in ClinVar:

NM_001267550.2(TTN):c.75581C>G (p.Ser25194Ter)

Genes: TTN (titin; minus strand), TTN-AS1 (TTN antisense RNA 1; plus strand). Cytogenetic location: 2q31.2.
Variant type: single nucleotide variant.
Coding change: c.75581C>G on transcript NM_001267550.2 (MANE Select); coding-DNA position 75581, C replaced by G.
Protein change: p.Ser25194Ter; replaces serine 25194 with a stop codon.
Molecular consequence: nonsense.
Genome position (GRCh38, 1-based): chr2:178,570,551, G>C on the plus strand (C>G on the coding strand, the complement: TTN is on the minus strand). VCF-style: chr2-178570551-G-C. GRCh37 (hg19) VCF-style: chr2-179435278-G-C.
Other names: c.70658C>G, p.Ser23553Ter (NM_001256850.1); c.48386C>G, p.Ser16129Ter (NM_003319.4); c.67877C>G, p.Ser22626Ter (NM_133378.4); c.48761C>G, p.Ser16254Ter (NM_133432.3); c.48962C>G, p.Ser16321Ter (NM_133437.4); short protein forms S16129*, S16254*, S16321*, S22626*, S23553*, S25194*.
Identifiers: ClinVar variation 3602077 (VCV003602077.2).

ClinVar aggregate classification (germline): Likely pathogenic. Review status: criteria provided, multiple submitters, no conflicts (2 of 4 stars). 2 submissions from 2 submitters: Likely pathogenic (2). Last evaluated 2025-07-14.

Conditions:
Autosomal recessive limb-girdle muscular dystrophy type 2J (LGMDR10). Also called: Limb-girdle muscular dystrophy, type 2J; MUSCULAR DYSTROPHY, LIMB-GIRDLE, AUTOSOMAL RECESSIVE 10. Identifiers: Orphanet 140922, MedGen C1837342, MONDO:0012127, OMIM 608807.
Dilated cardiomyopathy 1G (CMD1G). Identifiers: Orphanet 154, MedGen C1858763, MONDO:0011400, OMIM 604145.

Submissions (2):

Labcorp Genetics (formerly Invitae), Labcorp
Classification: Likely pathogenic for Dilated cardiomyopathy 1G; Autosomal recessive limb-girdle muscular dystrophy type 2J. Last evaluated: 2025-07-14. Review status: criteria provided, single submitter. Criteria: Invitae Variant Classification Sherloc (09022015). Collection method: clinical testing. Allele origin: germline.
Comment: This sequence change creates a premature translational stop signal (p.Ser25194*) in the TTN gene. While this is not anticipated to result in nonsense mediated decay, it is expected to create a truncated TTN protein. This variant is not present in population databases (gnomAD no frequency). This variant has not been reported in the literature in individuals affected with TTN-related conditions. ClinVar contains an entry for this variant (Variation ID: 3602077). This variant is located in the A band of TTN (PMID: 25589632). Truncating variants in this region are significantly overrepresented in patients affected with dilated cardiomyopathy (PMID: 25589632). Truncating variants in this region have also been reported in individuals affected with autosomal recessive centronuclear myopathy (PMID: 23975875). In summary, the currently available evidence indicates that the variant is pathogenic, but additional data are needed to prove that conclusively. Therefore, this variant has been classified as Likely Pathogenic.

Clinical Genomics Laboratory, Stanford Medicine
Classification: Likely pathogenic for Dilated cardiomyopathy 1G. Last evaluated: 2022-10-28. Review status: criteria provided, single submitter. Criteria: ACMG Guidelines, 2015. Collection method: clinical testing. Allele origin: germline. Affected: yes. Observed: 1 variant allele, 1 heterozygote.
Comment: The p.Ser25194* variant in the TTN gene has not been previously reported in association with disease.This variant was absent from large population databases, including the Genome Aggregation Database. This variant leads to a premature stop codon in exon 326 of 363 exons, which may cause loss of normal protein function through either protein truncation or nonsense-mediated decay. This variant is located in the A-band of the titin protein. Loss-of-function variants in the A- band have an established association with dilated cardiomyopathy (Morales et al., 2020). These data were assessed using the ACMG/AMP variant interpretation guidelines. In summary, there is sufficient evidence to classify the p.Ser25194* variant as likely pathogenic for autosomal dominant dilated cardiomyopathy based on the information above. [ACMG evidence codes used: PVS1_Strong; PM2]

Literature cited by the submitters: PubMed 25589632 (cited by Labcorp Genetics (formerly Invitae), Labcorp); PubMed 23975875 (cited by Labcorp Genetics (formerly Invitae), Labcorp); PubMed 32160020 (cited by Clinical Genomics Laboratory, Stanford Medicine).